The following is an entry in ClinVar:

NM_000152.5(GAA):c.323G>A (p.Cys108Tyr)

Gene: GAA (alpha glucosidase; plus strand). Cytogenetic location: 17q25.3.
Variant type: single nucleotide variant.
Coding change: c.323G>A on transcript NM_000152.5 (MANE Select); coding-DNA position 323, G replaced by A.
Protein change: p.Cys108Tyr; replaces cysteine 108 with tyrosine.
Molecular consequence: missense variant.
Genome position (GRCh38, 1-based): chr17:80,104,909, G>A. VCF-style: chr17-80104909-G-A. GRCh37 (hg19) VCF-style: chr17-78078708-G-A.
Other names: c.323G>A, p.Cys108Tyr (NM_001079803.3, NM_001079804.3, NM_001406741.1 and 1 more transcripts); short protein forms C108Y.
Identifiers: ClinVar variation 2675760 (VCV002675760.2), dbSNP rs2039038796, ClinGen allele CA401360744.
Genomic context (GRCh38, chr17:80,104,909, plus strand): 5'-GCCGCTTCGATTGCGCCCCTGACAAGGCCATCACCCAGGAACAGTGCGAGGCCCGCGGCT[G>A]TTGCTACATCCCTGCAAAGCAGGGGCTGCAGGGAGCCCAGATGGGGCAGCCCTGGTGCTT-3'
Protein context (NP_000143.2, residues 98-118): ITQEQCEARG[Cys108Tyr]CYIPAKQGLQ

ClinVar aggregate classification (germline): Conflicting classifications of pathogenicity. Review status: criteria provided, conflicting classifications (1 of 4 stars). 2 submissions from 2 submitters: Likely pathogenic (1); Uncertain significance (1). Last evaluated 2026-07-01.

Conditions:
Glycogen storage disease, type II (IOPD). Also called: CARDIOMEGALIA GLYCOGENICA DIFFUSA; GLYCOGENOSIS, GENERALIZED, CARDIAC FORM; GSD II; Glycogen storage disease type 2; Acid maltase deficiency disease; Aglucosidase alfa. Identifiers: Orphanet 365, MedGen C0017921, MONDO:0009290, OMIM 232300.

Allele frequency attached by ClinVar (database versions not stated): gnomAD exomes below 0.00001.

Submissions (2):

Genomenon, Inc
Classification: Uncertain significance for Glycogen storage disease, type II. Last evaluated: 2026-07-01. Review status: criteria provided, single submitter. Criteria: Genomenon Sequence Variant Interpretation Standards - Updated. Collection method: curation. Allele origin: germline. Affected: yes.
Comment: GAA p.Cys108Tyr (c.323G>A) is a missense variant that changes the amino acid at codon 108 from Cysteine to Tyrosine. This variant has been observed in at least one proband with a GAA-related disorder in the compound heterozygous and/or homozygous state (PMID:34357340;31606152;25526786). Splicing studies have been reported (PMID:31301153). It is absent or not present at a significant frequency in gnomAD. In silico models predict that this variant is possibly or probably damaging. In conclusion, we classify GAA p.Cys108Tyr (c.323G>A) as a variant of uncertain significance.

Baylor Genetics
Classification: Likely pathogenic for Glycogen storage disease, type II. Last evaluated: 2023-09-07. Review status: criteria provided, single submitter. Criteria: ACMG Guidelines, 2015. Collection method: clinical testing. Allele origin: unknown.

Literature cited by the submitters: PubMed 34357340 (cited by Genomenon, Inc); PubMed 31606152 (cited by Genomenon, Inc); PubMed 25526786 (cited by Genomenon, Inc); PubMed 31301153 (cited by Genomenon, Inc).